The following is an entry in ClinVar:

ClinVar aggregate classification (germline): Uncertain significance. Review status: criteria provided, multiple submitters, no conflicts (2 of 4 stars). 7 submissions from 7 submitters: Uncertain significance (6). 1 of the submissions does not count toward it. Last evaluated 2026-01-13.

Conditions:
Facial dysmorphism-immunodeficiency-livedo-short stature syndrome. Also called: Facial dysmorphism, immunodeficiency, livedo, and short stature; FILS syndrome. Identifiers: Orphanet 352712, MedGen C3554576, MONDO:0014058, OMIM 615139.
Colorectal cancer, susceptibility to, 12 (CRCS12). Also called: COLORECTAL CANCER, SUSCEPTIBILITY TO, ON CHROMOSOME 12q24. Identifiers: Orphanet 220460, MedGen C3554460, MONDO:0014038, OMIM 615083.
Intrauterine growth retardation, metaphyseal dysplasia, adrenal hypoplasia congenita, genital anomalies, and immunodeficiency. Also called: IMAGEI SYNDROME. Identifiers: MedGen C5193036, MONDO:0032684, OMIM 618336.
Hereditary cancer-predisposing syndrome. Also called: Hereditary Cancer Syndrome; Hereditary neoplastic syndrome; Neoplastic Syndromes, Hereditary; Tumor predisposition. Identifiers: Orphanet 140162, MedGen C0027672, MeSH D009386, MONDO:0015356.

Allele frequency attached by ClinVar (database versions not stated): gnomAD exomes 0.00001; TOPMed 0.00001.
gnomAD v4.1: 8 of 1,611,362 alleles (0.0005%); highest among the groups gnomAD compares: Admixed American, 0.01%; no homozygotes.

Submissions (7):

Labcorp Genetics (formerly Invitae), Labcorp
Classification: Uncertain significance. Last evaluated: 2026-01-13. Review status: criteria provided, single submitter. Criteria: Invitae Variant Classification Sherloc (09022015). Collection method: clinical testing. Allele origin: germline.
Comment: This sequence change replaces glycine, which is neutral and non-polar, with aspartic acid, which is acidic and polar, at codon 1695 of the POLE protein (p.Gly1695Asp). This variant is present in population databases (no rsID available, gnomAD 0.009%). This variant has not been reported in the literature in individuals affected with POLE-related conditions. ClinVar contains an entry for this variant (Variation ID: 405690). Invitae Evidence Modeling of protein sequence and biophysical properties (such as structural, functional, and spatial information, amino acid conservation, physicochemical variation, residue mobility, and thermodynamic stability) indicates that this missense variant is not expected to disrupt POLE protein function with a negative predictive value of 80%. In summary, the available evidence is currently insufficient to determine the role of this variant in disease. Therefore, it has been classified as a Variant of Uncertain Significance.

ARUP Laboratories, Molecular Genetics and Genomics, ARUP Laboratories
Classification: Uncertain significance. Last evaluated: 2025-05-08. Review status: criteria provided, single submitter. Criteria: ARUP Molecular Germline Variant Investigation Process 2024. Collection method: clinical testing. Allele origin: germline.
Comment: The POLE c.5084G>A; p.Gly1695Asp variant (rs920535000), to our knowledge, is not reported in the medical literature but is reported in ClinVar (Variation ID: 405690). This variant is only observed on three alleles in the Genome Aggregation Database (v2.1.1), indicating it is not a common polymorphism. Computational analyses predict that this variant is deleterious (REVEL: 0.737). However, given the lack of clinical and functional data, the significance of this variant is uncertain at this time.

GeneDx
Classification: Uncertain significance. Last evaluated: 2025-02-03. Review status: criteria provided, single submitter. Criteria: GeneDx Variant Classification Process June 2021. Collection method: clinical testing. Allele origin: germline. Affected: yes.
Comment: Not observed at significant frequency in large population cohorts (gnomAD); In silico analysis supports that this missense variant has a deleterious effect on protein structure/function; Has not been previously published as pathogenic or benign to our knowledge

Ambry Genetics
Classification: Uncertain significance for Hereditary cancer-predisposing syndrome. Last evaluated: 2024-12-09. Review status: criteria provided, single submitter. Criteria: Ambry Variant Classification Scheme 2023. Collection method: clinical testing. Allele origin: germline.
Comment: The p.G1695D variant (also known as c.5084G>A), located in coding exon 38 of the POLE gene, results from a G to A substitution at nucleotide position 5084. The glycine at codon 1695 is replaced by aspartic acid, an amino acid with similar properties. This amino acid position is highly conserved in available vertebrate species. In addition, this alteration is predicted to be deleterious by in silico analysis. Based on the available evidence, the clinical significance of this variant remains unclear.

Fulgent Genetics
Classification: Uncertain significance for Colorectal cancer, susceptibility to, 12; Facial dysmorphism-immunodeficiency-livedo-short stature syndrome; Intrauterine growth retardation, metaphyseal dysplasia, adrenal hypoplasia congenita, genital anomalies, and immunodeficiency. Last evaluated: 2024-02-21. Review status: criteria provided, single submitter. Criteria: ACMG Guidelines, 2015. Collection method: clinical testing. Allele origin: germline.

Quest Diagnostics Nichols Institute San Juan Capistrano
Classification: Uncertain significance. Last evaluated: 2019-09-18. Review status: criteria provided, single submitter. Criteria: Quest Diagnostics criteria. Collection method: clinical testing. Allele origin: unknown.

True Health Diagnostics
Classification: Uncertain significance for Hereditary cancer-predisposing syndrome. Last evaluated: 2018-09-06. Review status: no assertion criteria provided. Collection method: clinical testing. Allele origin: germline. Not counted in ClinVar's aggregate classification.

NM_006231.4(POLE):c.5084G>A (p.Gly1695Asp)

Gene: POLE (DNA polymerase epsilon, catalytic subunit; minus strand). Cytogenetic location: 12q24.33.
Variant type: single nucleotide variant.
Coding change: c.5084G>A on transcript NM_006231.4 (MANE Select); coding-DNA position 5084, G replaced by A.
Protein change: p.Gly1695Asp; replaces glycine 1695 with aspartic acid.
Molecular consequence: missense variant.
Genome position (GRCh38, 1-based): chr12:132,642,266, C>T on the plus strand (G>A on the coding strand, the complement: POLE is on the minus strand). VCF-style: chr12-132642266-C-T. GRCh37 (hg19) VCF-style: chr12-133218852-C-T.
Other names: c.5084G>A (NM_006231.2); short protein forms G1695D.
Identifiers: ClinVar variation 405690 (VCV000405690.21), dbSNP rs920535000, ClinGen allele CA16613766.